The following is an entry in ClinVar:

ClinVar aggregate classification (germline): Benign. Review status: criteria provided, multiple submitters, no conflicts (2 of 4 stars). 11 submissions from 11 submitters: Benign (9). 2 of the submissions do not count toward it. Last evaluated 2026-02-04.

Conditions:
Infantile-onset X-linked spinal muscular atrophy. Also called: Spinal Muscular Atrophy, X-Linked Infantile; AMC, DISTAL, X-LINKED; ARTHROGRYPOSIS, X-LINKED, TYPE I; SPINAL MUSCULAR ATROPHY, X-LINKED LETHAL INFANTILE; Spinal muscular atrophy, X-linked 2. Identifiers: Orphanet 1145, MedGen C1844934, MONDO:0010532, OMIM 301830.

Allele frequency attached by ClinVar (database versions not stated): 1000 Genomes Project 0.97113; 1000 Genomes Project 30x 0.97190; TOPMed 0.98716; gnomAD 0.98795; ESP Exome Variant Server 0.98921.

Submissions (11):

Labcorp Genetics (formerly Invitae), Labcorp
Classification: Benign for Infantile-onset X-linked spinal muscular atrophy. Last evaluated: 2026-02-04. Review status: criteria provided, single submitter. Criteria: Invitae Variant Classification Sherloc (09022015). Collection method: clinical testing. Allele origin: germline.

Blueprint Genetics
Classification: Benign. Last evaluated: 2024-11-28. Review status: criteria provided, single submitter. Criteria: ACMG Guidelines, 2015. Collection method: clinical testing. Allele origin: germline.

Unidad de Genómica Garrahan, Hospital de Pediatría Garrahan
Classification: Benign. Last evaluated: 2024-01-24. Review status: criteria provided, single submitter. Criteria: ACMG Guidelines, 2015. Collection method: clinical testing. Allele origin: germline. Affected: no. Observed: 93 variant alleles.
Comment: This variant is classified as Benign based on local population frequency. This variant was detected in 98% of patients studied by a panel of primary immunodeficiencies. Number of patients: 93. Only high quality variants are reported.

Mayo Clinic Laboratories, Mayo Clinic
Classification: Benign. Last evaluated: 2022-03-24. Review status: criteria provided, single submitter. Criteria: ACMG Guidelines, 2015. Collection method: clinical testing. Allele origin: germline. Observed: 1,032 variant alleles.

Genome-Nilou Lab
Classification: Benign for Infantile-onset X-linked spinal muscular atrophy. Last evaluated: 2021-12-05. Review status: criteria provided, single submitter. Criteria: ACMG Guidelines, 2015. Collection method: clinical testing. Allele origin: germline. Affected: no.

Illumina Laboratory Services, Illumina
Classification: Benign for Infantile-onset X-linked spinal muscular atrophy. Last evaluated: 2018-01-13. Review status: criteria provided, single submitter. Criteria: ICSL Variant Classification Criteria 13 December 2019. Collection method: clinical testing. Allele origin: germline.
Comment: This variant was observed in the ICSL laboratory as part of a predisposition screen in an ostensibly healthy population. It had not been previously curated by ICSL or reported in the Human Gene Mutation Database (HGMD: prior to June 1st, 2018), and was therefore a candidate for classification through an automated scoring system. Utilizing variant allele frequency, disease prevalence and penetrance estimates, and inheritance mode, an automated score was calculated to assess if this variant is too frequent to cause the disease. Based on the score and internal cut-off values, a variant classified as benign is not then subjected to further curation. The score for this variant resulted in a classification of benign for this disease.

Athena Diagnostics
Classification: Benign. Last evaluated: 2017-11-16. Review status: criteria provided, single submitter. Criteria: Athena Diagnostics Criteria. Collection method: clinical testing. Allele origin: germline.

GeneDx
Classification: Benign. Last evaluated: 2016-01-05. Review status: criteria provided, single submitter. Criteria: GeneDx Variant Classification (06012015). Collection method: clinical testing. Allele origin: germline. Affected: yes.
Comment: This variant is considered likely benign or benign based on one or more of the following criteria: it is a conservative change, it occurs at a poorly conserved position in the protein, it is predicted to be benign by multiple in silico algorithms, and/or has population frequency not consistent with disease.

Breakthrough Genomics
Classification: Benign. Review status: criteria provided, single submitter. Criteria: ACMG Guidelines, 2015. Collection method: not provided. Allele origin: germline. Inheritance: Other. Affected: yes.

Clinical Genetics, Academic Medical Center
Classification: Benign. Review status: no assertion criteria provided. Collection method: clinical testing. Allele origin: germline. Affected: yes. Study: VKGL Data-share Consensus. Not counted in ClinVar's aggregate classification.

Diagnostic Laboratory, Department of Genetics, University Medical Center Groningen
Classification: Benign for Infantile-onset X-linked spinal muscular atrophy. Review status: no assertion criteria provided. Collection method: clinical testing. Allele origin: germline. Affected: yes. Study: VKGL Data-share Consensus. Not counted in ClinVar's aggregate classification.

NM_003334.4(UBA1):c.811+9C>G

Gene: UBA1 (ubiquitin like modifier activating enzyme 1; plus strand). Cytogenetic location: Xp11.3.
Variant type: single nucleotide variant.
Coding change: c.811+9C>G on transcript NM_003334.4 (MANE Select); 9 bases into the intron after coding-DNA position 811, C replaced by G.
Molecular consequence: intron variant.
Genome position (GRCh38, 1-based): chrX:47,201,619, C>G. VCF-style: chrX-47201619-C-G. GRCh37 (hg19) VCF-style: chrX-47061018-C-G.
Other names: p.?; c.811+9C>G (NM_153280.3).
Identifiers: ClinVar variation 368331 (VCV000368331.22), dbSNP rs4239964, ClinGen allele CA10395758.